The following is an entry in ClinVar:

NM_183050.4(BCKDHB):c.360dup (p.Asn121Ter)

Gene: BCKDHB (branched chain keto acid dehydrogenase E1 subunit beta; plus strand). Cytogenetic location: 6q14.1.
Variant type: Duplication.
Coding change: c.360dup on transcript NM_183050.4 (MANE Select); coding-DNA position 360, one base duplicated (T; older notation c.360dupT).
Protein change: p.Asn121Ter; replaces asparagine 121 with a stop codon.
Molecular consequence: nonsense. On other transcripts: non-coding transcript variant (6).
Genome position (GRCh38, 1-based): chr6:80,167,694, T duplicated; the last of 5 consecutive T bases (chr6:80,167,690-80,167,694); duplicating any one gives the same sequence. VCF-style (leftmost placement, unchanged base first): chr6-80167689-G-GT. GRCh37 (hg19) VCF-style: chr6-80877406-G-GT.
Other names: c.360dup, p.Asn121Ter (NM_000056.5, NM_001424035.1, NM_001424036.1 and 8 more transcripts); c.150dup, p.Asn51Ter (NM_001318975.1, NM_001424043.1); short protein forms N121*, N51*.
Identifiers: ClinVar variation 2629703 (VCV002629703.2), dbSNP rs1350590893, ClinGen allele CA568406713.

ClinVar aggregate classification (germline): Pathogenic/Likely pathogenic. Review status: criteria provided, multiple submitters, no conflicts (2 of 4 stars). 2 submissions from 2 submitters: Pathogenic (1); Likely pathogenic (1). Last evaluated 2025-05-29.

Conditions:
Maple syrup urine disease type 1B (MSUD1B). Also called: MSUD type IB; MSUD type 3 (formerly); MSUD due to deficiency of e1-beta subunit of branched-chain alpha-keto acid dehydrogenase complex. Identifiers: MedGen C2930990, MONDO:0023692, OMIM 620698.
BCKDHB-related disorder. Also called: BCKDHB-related condition.

Submissions (2):

3billion
Classification: Pathogenic for Maple syrup urine disease type 1B. Last evaluated: 2025-05-29. Review status: criteria provided, single submitter. Criteria: ACMG Guidelines, 2015. Collection method: clinical testing. Allele origin: germline. Affected: yes.
Comment: The variant is observed at an extremely low frequency in the gnomAD v4.1.0 dataset (total allele frequency: <0.001%). Predicted Consequence/Location: Stop-gained (nonsense): predicted to result in a loss or disruption of normal protein function through nonsense-mediated decay (NMD) or protein truncation. Multiple pathogenic variants are reported downstream of the variant. The variant has been reported to be associated with BCKDHB-related disorder (ClinVar ID: VCV002629703). Therefore, this variant is classified as Pathogenic according to the recommendation of ACMG/AMP guideline.

PreventionGenetics, part of Exact Sciences
Classification: Likely pathogenic for BCKDHB-related condition. Last evaluated: 2023-01-11. Review status: criteria provided, single submitter. Criteria: ACMG Guidelines, 2015. Collection method: clinical testing. Allele origin: germline.
Comment: The BCKDHB c.360dupT variant is predicted to result in premature protein termination (p.Asn121*). To our knowledge, this variant has not been reported in the literature. This variant is reported in 0.0065% of alleles in individuals of South Asian descent in gnomAD. Nonsense variants in BCKDHB are expected to be pathogenic. This variant is interpreted as likely pathogenic.